The following is an entry in ClinVar:

ClinVar aggregate classification (germline): Conflicting classifications of pathogenicity. Review status: criteria provided, conflicting classifications (1 of 4 stars). 2 submissions from 2 submitters: Uncertain significance (1); Likely benign (1). Last evaluated 2025-10-19.

Conditions:
Hereditary cancer-predisposing syndrome. Also called: Neoplastic Syndromes, Hereditary; Hereditary Cancer Syndrome; Tumor predisposition; Hereditary neoplastic syndrome. Identifiers: Orphanet 140162, MedGen C0027672, MeSH D009386, MONDO:0015356.
Tuberous sclerosis 2 (TSC2). Identifiers: Orphanet 805, MedGen C1860707, MONDO:0013199, OMIM 613254.

Submissions (2):

Labcorp Genetics (formerly Invitae), Labcorp
Classification: Likely benign for Tuberous sclerosis 2. Last evaluated: 2025-10-19. Review status: criteria provided, single submitter. Criteria: Invitae Variant Classification Sherloc (09022015). Collection method: clinical testing. Allele origin: germline.

Sema4
Classification: Uncertain significance for Hereditary cancer-predisposing syndrome. Last evaluated: 2021-11-26. Review status: criteria provided, single submitter. Criteria: Sema4 Curation Guidelines. Collection method: curation. Allele origin: germline.
Comment: The TSC2 c.1081C>T (p.L361=) variant has not been reported in the literature to our knowledge. It was not observed in the large and broad cohorts of the Genome Aggregation Database. The variant has not been reported in ClinVar. In silico tools suggest that the variant does not impact splicing, though the variant is moderately conserved and the splicing predictions have not been confirmed by functional studies. The evidence is insufficient to meet ACMG/AMP criteria for classifying the variant as benign or pathogenic. Thus, the clinical significance of this variant is currently uncertain.

NM_000548.5(TSC2):c.1081C>T (p.Leu361=)

Gene: TSC2 (TSC complex subunit 2; plus strand). Cytogenetic location: 16p13.3.
Variant type: single nucleotide variant.
Coding change: c.1081C>T on transcript NM_000548.5 (MANE Select); coding-DNA position 1081, C replaced by T.
Protein change: p.Leu361=; no amino-acid change (leucine 361 retained).
Molecular consequence: synonymous variant. On other transcripts: 5 prime UTR variant (10), non-coding transcript variant (5).
Genome position (GRCh38, 1-based): chr16:2,060,775, C>T. VCF-style: chr16-2060775-C-T. GRCh37 (hg19) VCF-style: chr16-2110776-C-T.
Other names: c.1081C>T, p.Leu361= (NM_001077183.3, NM_001114382.3, NM_001363528.2 and 6 more transcripts); c.970C>T, p.Leu324= (NM_001318827.2, NM_001406670.1, NM_001406678.1); c.934C>T, p.Leu312= (NM_001318829.2, NM_001406675.1, NM_001406676.1 and 1 more transcripts); c.481C>T, p.Leu161= (NM_001318831.2, NM_001406680.1, NM_001406682.1 and 6 more transcripts); c.1114C>T, p.Leu372= (NM_001318832.2); c.1171C>T, p.Leu391= (NM_001406667.1, NM_001406668.1); c.1069C>T, p.Leu357= (NM_001406671.1, NM_001406673.1); c.1024C>T, p.Leu342= (NM_001406677.1); and 4 more.
Identifiers: ClinVar variation 1692475 (VCV001692475.6), dbSNP rs796053483, ClinGen allele CA492961057.